The following is an entry in ClinVar:

NM_006509.4(RELB):c.1238G>A (p.Arg413Gln)

Gene: RELB (RELB proto-oncogene, NF-kB subunit; plus strand). Cytogenetic location: 19q13.32.
Variant type: single nucleotide variant.
Coding change: c.1238G>A on transcript NM_006509.4 (MANE Select); coding-DNA position 1238, G replaced by A.
Protein change: p.Arg413Gln; replaces arginine 413 with glutamine.
Molecular consequence: missense variant.
Genome position (GRCh38, 1-based): chr19:45,034,274, G>A. VCF-style: chr19-45034274-G-A. GRCh37 (hg19) VCF-style: chr19-45537532-G-A.
Other names: short protein forms R413Q.
Identifiers: ClinVar variation 1359693 (VCV001359693.8), dbSNP rs759710647, ClinGen allele CA9507791.
Genomic context (GRCh38, chr19:45,034,274, plus strand): 5'-TCTTGTGTGTCCCTGGTATCTCCTTAACAGACAGCTACGGCGTGGACAAGAAGCGGAAAC[G>A]GGGGATGCCCGACGTCCTTGGGGAGCTGAACAGCTCTGGTGTGTGCCCTCTGCCCCTTTC-3'
Protein context (NP_006500.2, residues 403-423): DSYGVDKKRK[Arg413Gln]GMPDVLGELN

ClinVar aggregate classification (germline): Uncertain significance (1 of 4 stars; one submission).

Allele frequency attached by ClinVar (database versions not stated): gnomAD 0.00001; TOPMed 0.00006; ExAC 0.00007; gnomAD exomes 0.00010.
gnomAD v4.1: 32 of 1,613,934 alleles (0.002%); highest among the groups gnomAD compares: Admixed American, 0.043%; no homozygotes.

Submission:

Labcorp Genetics (formerly Invitae), Labcorp
Classification: Uncertain significance. Last evaluated: 2025-02-27. Review status: criteria provided, single submitter. Criteria: Invitae Variant Classification Sherloc (09022015). Collection method: clinical testing. Allele origin: germline.
Comment: This sequence change replaces arginine, which is basic and polar, with glutamine, which is neutral and polar, at codon 413 of the RELB protein (p.Arg413Gln). This variant is present in population databases (rs759710647, gnomAD 0.07%), and has an allele count higher than expected for a pathogenic variant. This variant has not been reported in the literature in individuals affected with RELB-related conditions. ClinVar contains an entry for this variant (Variation ID: 1359693). An algorithm developed to predict the effect of missense changes on protein structure and function (PolyPhen-2) suggests that this variant is likely to be tolerated. In summary, the available evidence is currently insufficient to determine the role of this variant in disease. Therefore, it has been classified as a Variant of Uncertain Significance.